The following is an entry in ClinVar:

NM_015046.7(SETX):c.6694C>T (p.Arg2232Cys)

Gene: SETX (senataxin; minus strand). Cytogenetic location: 9q34.13.
Variant type: single nucleotide variant.
Coding change: c.6694C>T on transcript NM_015046.7 (MANE Select); coding-DNA position 6694, C replaced by T.
Protein change: p.Arg2232Cys; replaces arginine 2232 with cysteine.
Molecular consequence: missense variant.
Genome position (GRCh38, 1-based): chr9:132,278,218, G>A on the plus strand (C>T on the coding strand, the complement: SETX is on the minus strand). VCF-style: chr9-132278218-G-A. GRCh37 (hg19) VCF-style: chr9-135153605-G-A.
Other names: c.6694C>T, p.Arg2232Cys (NM_001351527.2, NM_001351528.2); short protein forms R2232C.
Identifiers: ClinVar variation 1526214 (VCV001526214.1), dbSNP rs759299299, ClinGen allele CA5296635.

ClinVar aggregate classification (germline): Likely pathogenic (1 of 4 stars; one submission).

Conditions:
Spinocerebellar ataxia, autosomal recessive, with axonal neuropathy 2 (SCAN2). Also called: ATAXIA-OCULOMOTOR APRAXIA 2; Ataxia with Oculomotor Apraxia; Ataxia with Oculomotor Apraxia Type 2; Ataxia-ocular apraxia-2. Identifiers: Orphanet 64753, MedGen C1853761, MONDO:0018996, OMIM 606002.

Allele frequency attached by ClinVar (database versions not stated): gnomAD exomes below 0.00001; ExAC 0.00001.
gnomAD v4.1: 3 of 1,614,116 alleles (0.00019%); highest among the groups gnomAD compares: Non-Finnish European, 0.00025%; no homozygotes.

Submission:

3billion
Classification: Likely pathogenic for Spinocerebellar ataxia, autosomal recessive, with axonal neuropathy 2. Last evaluated: 2022-03-22. Review status: criteria provided, single submitter. Criteria: ACMG Guidelines, 2015. Collection method: clinical testing. Allele origin: germline. Affected: yes. Observed: 1 homozygote.
Comment: Same nucleotide change resulting in same amino acid change has been previously reported to be associated with SETX related disorder (PMID:29482223). The variant has been reported to be in trans with a pathogenic variant as either compound heterozygous or homozygous in at least one similarly affected unrelated individual(PMID: 29482223). In silico tool predictions suggest damaging effect of the variant on gene or gene product(REVEL: 0.961>=0.6, 3CNET: 0.815>=0.75). It is observed at an extremely low frequency in the gnomAD v2.1.1 dataset (total allele frequency: 0.0000040). Therefore, this variant is classified as likely pathogenic according to the recommendation of ACMG/AMP guideline.

Literature cited by the submitters: PubMed 29482223.